The following is an entry in ClinVar:

NM_003072.5(SMARCA4):c.275_276delinsCC (p.Gln92Pro)

Gene: SMARCA4 (SWI/SNF related BAF chromatin remodeling complex subunit ATPase 4; plus strand). Cytogenetic location: 19p13.2.
Variant type: Indel.
Coding change: c.275_276delinsCC on transcript NM_003072.5 (MANE Select); coding-DNA positions 275 to 276, AG replaced by CC.
Protein change: p.Gln92Pro; replaces glutamine 92 with proline.
Molecular consequence: missense variant. On other transcripts: non-coding transcript variant (1).
Genome position (GRCh38, 1-based): chr19:10,985,325-10,985,326, AG replaced by CC. VCF-style: chr19-10985325-AG-CC. GRCh37 (hg19) VCF-style: chr19-11096001-AG-CC.
Other names: c.275_276delinsCC, p.Gln92Pro (NM_001128844.3, NM_001128845.2, NM_001128846.2 and 4 more transcripts); short protein forms Q92P.
Identifiers: ClinVar variation 950343 (VCV000950343.8), dbSNP rs2085928938, ClinGen allele CA1139666251.

ClinVar aggregate classification (germline): Uncertain significance (1 of 4 stars; one submission).

Conditions:
Rhabdoid tumor predisposition syndrome 2 (RTPS2). Identifiers: Orphanet 231108, Orphanet 69077, MedGen C2750074, MONDO:0013224, OMIM 613325.

Submission:

Labcorp Genetics (formerly Invitae), Labcorp
Classification: Uncertain significance for Rhabdoid tumor predisposition syndrome 2. Last evaluated: 2019-05-14. Review status: criteria provided, single submitter. Criteria: Invitae Variant Classification Sherloc (09022015). Collection method: clinical testing. Allele origin: germline.
Comment: This sequence change replaces glutamine with proline at codon 92 of the SMARCA4 protein (p.Gln92Pro). The glutamine residue is moderately conserved and there is a moderate physicochemical difference between glutamine and proline. This variant is not present in population databases (ExAC no frequency). This variant has not been reported in the literature in individuals with SMARCA4-related conditions. Algorithms developed to predict the effect of missense changes on protein structure and function are either unavailable or do not agree on the potential impact of this missense change (SIFT: "Tolerated"; PolyPhen-2: "Possibly Damaging"; Align-GVGD: "Class 0"). In summary, the available evidence is currently insufficient to determine the role of this variant in disease. Therefore, it has been classified as a Variant of Uncertain Significance.